The following is an entry in ClinVar:

NM_006258.4(PRKG1):c.421A>C (p.Lys141Gln)

Gene: PRKG1 (protein kinase cGMP-dependent 1; plus strand). Cytogenetic location: 10q21.1.
Variant type: single nucleotide variant.
Coding change: c.421A>C on transcript NM_006258.4 (MANE Select); coding-DNA position 421, A replaced by C.
Protein change: p.Lys141Gln; replaces lysine 141 with glutamine.
Molecular consequence: missense variant.
Genome position (GRCh38, 1-based): chr10:51,153,273, A>C. VCF-style: chr10-51153273-A-C. GRCh37 (hg19) VCF-style: chr10-52913033-A-C.
Other names: c.421A>C, p.Lys141Gln (LRG_1135t1); c.376A>C, p.Lys126Gln (LRG_1135t2, NM_001098512.3); short protein forms K126Q, K141Q.
Identifiers: ClinVar variation 477778 (VCV000477778.22), dbSNP rs761759814, ClinGen allele CA5503124.

ClinVar aggregate classification (germline): Conflicting classifications of pathogenicity. Review status: criteria provided, conflicting classifications (1 of 4 stars). 5 submissions from 5 submitters: Uncertain significance (1); Likely benign (3). 1 of the submissions does not count toward it. Last evaluated 2025-10-01.

Conditions:
PRKG1-related disorder. Also called: PRKG1-related condition.
Familial thoracic aortic aneurysm and aortic dissection (TAAD). Also called: Thoracic aortic aneurysms and dissections. Identifiers: Orphanet 91387, MedGen C4707243, MONDO:0019625.
Aortic aneurysm, familial thoracic 8 (AAT8). Identifiers: MedGen C3809513, MONDO:0014187, OMIM 615436.

Allele frequency attached by ClinVar (database versions not stated): gnomAD exomes 0.00003 and 0.00011; gnomAD 0.00004 and 0.00005; ExAC 0.00008; TOPMed 0.00014.
gnomAD v4.1: 43 of 1,612,472 alleles (0.0027%); highest among the groups gnomAD compares: East Asian, 0.096%; no homozygotes.

Submissions (5):

Labcorp Genetics (formerly Invitae), Labcorp
Classification: Likely benign for Aortic aneurysm, familial thoracic 8. Last evaluated: 2025-10-01. Review status: criteria provided, single submitter. Criteria: Invitae Variant Classification Sherloc (09022015). Collection method: clinical testing. Allele origin: germline.

Ambry Genetics
Classification: Likely benign for Familial thoracic aortic aneurysm and aortic dissection. Last evaluated: 2024-01-09. Review status: criteria provided, single submitter. Criteria: Ambry Variant Classification Scheme 2023. Collection method: clinical testing. Allele origin: germline.

Revvity Omics, Revvity
Classification: Uncertain significance for Aortic aneurysm, familial thoracic 8. Last evaluated: 2021-06-09. Review status: criteria provided, single submitter. Criteria: ACMG Guidelines, 2015. Collection method: clinical testing. Allele origin: germline.

GeneDx
Classification: Likely benign. Last evaluated: 2018-08-27. Review status: criteria provided, single submitter. Criteria: GeneDx Variant Classification Process June 2021. Collection method: clinical testing. Allele origin: germline. Affected: yes.

PreventionGenetics, part of Exact Sciences
Classification: Likely benign for PRKG1-related condition. Last evaluated: 2024-03-14. Review status: no assertion criteria provided. Collection method: clinical testing. Allele origin: germline. Not counted in ClinVar's aggregate classification.
Comment: This variant is classified as likely benign based on ACMG/AMP sequence variant interpretation guidelines (Richards et al. 2015 PMID: 25741868, with internal and published modifications).